The following is an entry in ClinVar:

ClinVar aggregate classification (germline): Uncertain significance. Review status: criteria provided, multiple submitters, no conflicts (2 of 4 stars). 6 submissions from 6 submitters: Uncertain significance (5). 1 of the submissions does not count toward it. Last evaluated 2025-06-25.

Conditions:
Familial thoracic aortic aneurysm and aortic dissection (TAAD). Also called: Thoracic aortic aneurysms and dissections. Identifiers: Orphanet 91387, MedGen C4707243, MONDO:0019625.
Aortic aneurysm, familial thoracic 4 (AAT4). Also called: AORTIC ANEURYSM/AORTIC DISSECTION AND PATENT DUCTUS ARTERIOSUS. Identifiers: MedGen C1851504, MONDO:0007568, OMIM 132900.

Allele frequency attached by ClinVar (database versions not stated): ExAC 0.00002; gnomAD exomes 0.00002; TOPMed 0.00002; gnomAD 0.00003 and 0.00004; ESP Exome Variant Server 0.00008.
gnomAD v4.1: 32 of 1,614,122 alleles (0.002%); highest among the groups gnomAD compares: Middle Eastern, 0.016%; no homozygotes.

Submissions (6):

Color Diagnostics, LLC DBA Color Health
Classification: Uncertain significance for Familial thoracic aortic aneurysm and aortic dissection. Last evaluated: 2025-06-25. Review status: criteria provided, single submitter. Criteria: ACMG Guidelines, 2015. Collection method: clinical testing. Allele origin: germline.
Comment: This missense variant replaces arginine with tryptophan at codon 1805 of the MYH11 protein. Computational prediction suggests that this variant may not impact protein structure and function. To our knowledge, functional studies have not been reported for this variant. This variant has been reported in an individual affected with thoracic aortic aneurysm (PMID: 28087566). This variant has been identified in 8/282634 chromosomes in the general population by the Genome Aggregation Database (gnomAD). The available evidence is insufficient to determine the role of this variant in disease conclusively. Therefore, this variant is classified as a Variant of Uncertain Significance.

Labcorp Genetics (formerly Invitae), Labcorp
Classification: Uncertain significance for Aortic aneurysm, familial thoracic 4. Last evaluated: 2024-12-04. Review status: criteria provided, single submitter. Criteria: Invitae Variant Classification Sherloc (09022015). Collection method: clinical testing. Allele origin: germline.
Comment: This sequence change replaces arginine, which is basic and polar, with tryptophan, which is neutral and slightly polar, at codon 1805 of the MYH11 protein (p.Arg1805Trp). This variant is present in population databases (rs371581038, gnomAD 0.02%). This variant has not been reported in the literature in individuals affected with MYH11-related conditions. ClinVar contains an entry for this variant (Variation ID: 845802). Invitae Evidence Modeling of protein sequence and biophysical properties (such as structural, functional, and spatial information, amino acid conservation, physicochemical variation, residue mobility, and thermodynamic stability) indicates that this missense variant is not expected to disrupt MYH11 protein function with a negative predictive value of 80%. In summary, the available evidence is currently insufficient to determine the role of this variant in disease. Therefore, it has been classified as a Variant of Uncertain Significance.

All of Us Research Program, National Institutes of Health
Classification: Uncertain significance for Familial thoracic aortic aneurysm and aortic dissection. Last evaluated: 2023-12-14. Review status: criteria provided, single submitter. Criteria: ACMG Guidelines, 2015. Collection method: clinical testing. Allele origin: germline. Inheritance: Autosomal dominant inheritance. Observed: 7 variant alleles, 7 heterozygotes.
Comment: This missense variant replaces arginine with tryptophan at codon 1805 of the MYH11 protein. Computational prediction suggests that this variant may not impact protein structure and function (internally defined REVEL score threshold <= 0.5, PMID: 27666373). To our knowledge, functional studies have not been reported for this variant. This variant has not been reported in individuals affected with cardiovascular disorders in the literature. This variant has been identified in 8/282634 chromosomes in the general population by the Genome Aggregation Database (gnomAD). The available evidence is insufficient to determine the role of this variant in disease conclusively. Therefore, this variant is classified as a Variant of Uncertain Significance.

This study involves interpretation of variants in research participants for the purpose of population health screening. Participant phenotype was not available at the time of variant classification. Additional details can be found in publication PMID: 35346344, PMCID: PMC8962531

GeneDx
Classification: Uncertain significance. Last evaluated: 2022-12-07. Review status: criteria provided, single submitter. Criteria: GeneDx Variant Classification Process June 2021. Collection method: clinical testing. Allele origin: germline. Affected: yes.
Comment: Has not been previously published as pathogenic or benign to our knowledge; In silico analysis supports that this missense variant has a deleterious effect on protein structure/function

Ambry Genetics
Classification: Uncertain significance for Familial thoracic aortic aneurysm and aortic dissection. Last evaluated: 2021-11-24. Review status: criteria provided, single submitter. Criteria: Ambry Variant Classification Scheme 2023. Collection method: clinical testing. Allele origin: germline.
Comment: The p.R1798W variant (also known as c.5392C>T), located in coding exon 37 of the MYH11 gene, results from a C to T substitution at nucleotide position 5392. The arginine at codon 1798 is replaced by tryptophan, an amino acid with dissimilar properties. This amino acid position is conserved. In addition, the in silico prediction for this alteration is inconclusive. Since supporting evidence is limited at this time, the clinical significance of this alteration remains unclear.

PG23_Medical Genetics Lab, ASST Papa Giovanni XXIII
Classification: Uncertain significance for Aortic aneurysm, familial thoracic 4. Last evaluated: 2024-01-11. Review status: no assertion criteria provided. Collection method: clinical testing. Allele origin: germline. Affected: yes. Not counted in ClinVar's aggregate classification.

Literature cited by the submitters: PubMed 28087566 (cited by Color Diagnostics, LLC DBA Color Health).

NM_002474.3(MYH11):c.5392C>T (p.Arg1798Trp)

Genes: MYH11 (myosin heavy chain 11; minus strand), NDE1 (nudE neurodevelopment protein 1; plus strand). Cytogenetic location: 16p13.11.
Variant type: single nucleotide variant.
Coding change: c.5392C>T on transcript NM_002474.3 (MANE Select); coding-DNA position 5392, C replaced by T.
Protein change: p.Arg1798Trp; replaces arginine 1798 with tryptophan.
Molecular consequence: missense variant. On other transcripts: intron variant (2).
Genome position (GRCh38, 1-based): chr16:15,717,252, G>A on the plus strand (C>T on the coding strand, the complement: MYH11 is on the minus strand). VCF-style: chr16-15717252-G-A. GRCh37 (hg19) VCF-style: chr16-15811109-G-A.
Other names: c.5413C>T, p.Arg1805Trp (NM_001040113.2, NM_001040114.2); c.5392C>T, p.Arg1798Trp (NM_022844.3); c.948-6939G>A (NM_001143979.2, NM_017668.3); short protein forms R1798W, R1805W.
Identifiers: ClinVar variation 845802 (VCV000845802.17), dbSNP rs371581038, ClinGen allele CA7921285.